The following is an entry in ClinVar:

ClinVar aggregate classification (germline): Uncertain significance. Review status: criteria provided, multiple submitters, no conflicts (2 of 4 stars). 2 submissions from 2 submitters: Uncertain significance (2). Last evaluated 2019-12-11.

Conditions:
Postaxial polydactyly-anterior pituitary anomalies-facial dysmorphism syndrome. Also called: Culler-Jones syndrome. Identifiers: Orphanet 420584, MedGen C4014479, MONDO:0014369, OMIM 615849.
Holoprosencephaly 9 (HPE9). Also called: HOLOPROSENCEPHALY WITH MICROPHTHALMIA AND FIRST BRANCHIAL ARCH ANOMALIES; PITUITARY ANOMALIES WITH HOLOPROSENCEPHALY-LIKE FEATURES. Identifiers: Orphanet 2162, MedGen C1835819, MONDO:0012563, OMIM 610829.

Submissions (2):

Women's Health and Genetics/Laboratory Corporation of America, LabCorp
Classification: Uncertain significance. Last evaluated: 2019-12-11. Review status: criteria provided, single submitter. Criteria: LabCorp Variant Classification Summary - May 2015. Collection method: clinical testing. Allele origin: germline.
Comment: Variant summary: GLI2 c.1723T>C (p.Tyr575His) results in a conservative amino acid change located in the Zinc finger C2H2-type domain (IPR013087) of the encoded protein sequence. Three of five in-silico tools predict a damaging effect of the variant on protein function. The variant was absent in 251450 control chromosomes (gnomAD). c.1723T>C has been reported in the literature in at least two individuals affected with Combined Pituitary Hormone Deficiency (CPHD; Babu_2019). These data indicate that the variant may be associated with disease. In vitro functional studies indicated that the variant significantly reduced GLI2 transcriptional activity (Babu_2019). No clinical diagnostic laboratories have submitted clinical-significance assessments for this variant to ClinVar after 2014. Based on the evidence outlined above, the variant was classified as VUS-possibly pathogenic.

Labcorp Genetics (formerly Invitae), Labcorp
Classification: Uncertain significance for Postaxial polydactyly-anterior pituitary anomalies-facial dysmorphism syndrome; Holoprosencephaly 9. Last evaluated: 2019-03-06. Review status: criteria provided, single submitter. Criteria: Invitae Variant Classification Sherloc (09022015). Collection method: clinical testing. Allele origin: germline.
Comment: This variant is not present in population databases (ExAC no frequency). This sequence change replaces tyrosine with histidine at codon 575 of the GLI2 protein (p.Tyr575His). The tyrosine residue is highly conserved and there is a moderate physicochemical difference between tyrosine and histidine. In summary, the available evidence is currently insufficient to determine the role of this variant in disease. Therefore, it has been classified as a Variant of Uncertain Significance. Algorithms developed to predict the effect of missense changes on protein structure and function are either unavailable or do not agree on the potential impact of this missense change (SIFT: "Deleterious"; PolyPhen-2: "Probably Damaging"; Align-GVGD: "Class C0"). This variant has not been reported in the literature in individuals with GLI2-related conditions.

Literature cited by the submitters: PubMed 30548673 (cited by Women's Health and Genetics/Laboratory Corporation of America, LabCorp).

NM_001374353.1(GLI2):c.1672T>C (p.Tyr558His)

Gene: GLI2 (GLI family zinc finger 2; plus strand). Cytogenetic location: 2q14.2.
Variant type: single nucleotide variant.
Coding change: c.1672T>C on transcript NM_001374353.1 (MANE Select); coding-DNA position 1672, T replaced by C.
Protein change: p.Tyr558His; replaces tyrosine 558 with histidine.
Molecular consequence: missense variant.
Genome position (GRCh38, 1-based): chr2:120,984,510, T>C. VCF-style: chr2-120984510-T-C. GRCh37 (hg19) VCF-style: chr2-121742086-T-C.
Other names: c.1723T>C, p.Tyr575His (NM_001371271.1, NM_005270.5); c.1297T>C, p.Tyr433His (NM_001374354.1); short protein forms Y558H, Y575H, Y433H.
Identifiers: ClinVar variation 840599 (VCV000840599.9), dbSNP rs763503195, ClinGen allele CA54377950.
Genomic context (GRCh38, chr2:120,984,510, plus strand): 5'-CAGGCCTGCTTCTCTCCCCAGAAACCCTACATCTGCAAGATCCCAGGCTGCACCAAGAGA[T>C]ACACAGACCCCAGCTCTCTCCGGAAGCATGTGAAAACGGTCCACGGCCCAGATGCCCACG-3'
Protein context (NP_001361282.1, residues 548-568): ICKIPGCTKR[Tyr558His]TDPSSLRKHV